The following is an entry in ClinVar:

NM_020964.3(EPG5):c.270A>G (p.Ile90Met)

Gene: EPG5 (ectopic P-granules 5 autophagy tethering factor; minus strand). Cytogenetic location: 18q21.1.
Variant type: single nucleotide variant.
Coding change: c.270A>G on transcript NM_020964.3 (MANE Select); coding-DNA position 270, A replaced by G.
Protein change: p.Ile90Met; replaces isoleucine 90 with methionine.
Molecular consequence: missense variant.
Genome position (GRCh38, 1-based): chr18:45,955,132, T>C on the plus strand (A>G on the coding strand, the complement: EPG5 is on the minus strand). VCF-style: chr18-45955132-T-C. GRCh37 (hg19) VCF-style: chr18-43535098-T-C.
Other names: short protein forms I90M.
Identifiers: ClinVar variation 972178 (VCV000972178.8), dbSNP rs374098492, ClinGen allele CA299792654.

ClinVar aggregate classification (germline): Uncertain significance (1 of 4 stars; one submission).

Conditions:
Vici syndrome (VICIS). Identifiers: Orphanet 1493, MedGen C1855772, MONDO:0009452, OMIM 242840.

Allele frequency attached by ClinVar (database versions not stated): gnomAD exomes below 0.00001; gnomAD 0.00001; TOPMed 0.00001; ESP Exome Variant Server 0.00008.
gnomAD v4.1: 2 of 1,613,974 alleles (0.00012%); highest among the groups gnomAD compares: African/African-American, 0.0027%; no homozygotes.

Submission:

Labcorp Genetics (formerly Invitae), Labcorp
Classification: Uncertain significance for Vici syndrome. Last evaluated: 2021-09-01. Review status: criteria provided, single submitter. Criteria: Invitae Variant Classification Sherloc (09022015). Collection method: clinical testing. Allele origin: germline.
Comment: This sequence change replaces isoleucine with methionine at codon 90 of the EPG5 protein (p.Ile90Met). The isoleucine residue is weakly conserved and there is a small physicochemical difference between isoleucine and methionine. This variant is not present in population databases (ExAC no frequency). This variant has not been reported in the literature in individuals affected with EPG5-related conditions. Algorithms developed to predict the effect of missense changes on protein structure and function (SIFT, PolyPhen-2, Align-GVGD) all suggest that this variant is likely to be tolerated. In summary, the available evidence is currently insufficient to determine the role of this variant in disease. Therefore, it has been classified as a Variant of Uncertain Significance.